The following is an entry in ClinVar:

NM_201384.3(PLEC):c.825C>T (p.Asn275=)

Gene: PLEC (plectin; minus strand). Cytogenetic location: 8q24.3.
Variant type: single nucleotide variant.
Coding change: c.825C>T on transcript NM_201384.3 (MANE Select); coding-DNA position 825, C replaced by T.
Protein change: p.Asn275=; no amino-acid change (asparagine 275 retained).
Molecular consequence: synonymous variant.
Genome position (GRCh38, 1-based): chr8:143,935,011, G>A on the plus strand (C>T on the coding strand, the complement: PLEC is on the minus strand). VCF-style: chr8-143935011-G-A. GRCh37 (hg19) VCF-style: chr8-145009179-G-A.
Other names: c.906C>T, p.Asn302= (NM_000445.5); c.783C>T, p.Asn261= (NM_201378.4); c.759C>T, p.Asn253= (NM_201379.3); c.1236C>T, p.Asn412= (NM_201380.4); c.729C>T, p.Asn243= (NM_201381.3); c.825C>T, p.Asn275= (NM_201382.4); c.837C>T, p.Asn279= (NM_201383.3).
Identifiers: ClinVar variation 391172 (VCV000391172.16), dbSNP rs113133985, ClinGen allele CA4928308.

ClinVar aggregate classification (germline): Conflicting classifications of pathogenicity. Review status: criteria provided, conflicting classifications (1 of 4 stars). 3 submissions from 3 submitters: Uncertain significance (2); Likely benign (1). Last evaluated 2025-12-30.

Conditions:
Epidermolysis bullosa simplex with nail dystrophy (EBS5D). Identifiers: MedGen C4225309, MONDO:0014661, OMIM 616487.
Epidermolysis bullosa simplex 5B, with muscular dystrophy (EBS5B). Also called: EPIDERMOLYSIS BULLOSA SIMPLEX AND LIMB-GIRDLE MUSCULAR DYSTROPHY; Epidermolysis bullosa simplex with muscular dystrophy. Identifiers: Orphanet 257, MedGen C2931072, MONDO:0009181, OMIM 226670.
Epidermolysis bullosa simplex, Ogna type (EBS5A). Also called: Pidermolysis bullosa simplex 5A, Ogna type; EPIDERMOLYSIS BULLOSA SIMPLEX 5A, OGNA TYPE. Identifiers: Orphanet 79401, MedGen C0432317, MONDO:0007555, OMIM 131950.
Autosomal recessive limb-girdle muscular dystrophy type 2Q (LGMDR17). Also called: MUSCULAR DYSTROPHY, LIMB-GIRDLE, AUTOSOMAL RECESSIVE 17. Identifiers: Orphanet 254361, MedGen C3150989, MONDO:0013390, OMIM 613723.
Epidermolysis bullosa simplex 5C, with pyloric atresia (EBS5C). Also called: PLEC-Related Epidermolysis Bullosa with Pyloric Atresia; Epidermolysis bullosa simplex with pyloric atresia; PLEC1-Related Epidermolysis Bullosa with Pyloric Atresia. Identifiers: Orphanet 158684, MedGen C2677349, MONDO:0012807, OMIM 612138.

Allele frequency attached by ClinVar (database versions not stated): gnomAD 0.00001 and 0.00002; gnomAD exomes 0.00002; ExAC 0.00004; TOPMed 0.00006; ESP Exome Variant Server 0.00008.
gnomAD v4.1: 31 of 1,612,280 alleles (0.0019%); highest among the groups gnomAD compares: Middle Eastern, 0.016%; no homozygotes.

Submissions (3):

Labcorp Genetics (formerly Invitae), Labcorp
Classification: Uncertain significance for Autosomal recessive limb-girdle muscular dystrophy type 2Q; Epidermolysis bullosa simplex, Ogna type; Epidermolysis bullosa simplex with nail dystrophy; Epidermolysis bullosa simplex 5C, with pyloric atresia; Epidermolysis bullosa simplex 5B, with muscular dystrophy. Last evaluated: 2025-12-30. Review status: criteria provided, single submitter. Criteria: Invitae Variant Classification Sherloc (09022015). Collection method: clinical testing. Allele origin: germline.
Comment: This sequence change affects codon 302 of the PLEC mRNA. It is a 'silent' change, meaning that it does not change the encoded amino acid sequence of the PLEC protein. It affects a nucleotide within the consensus splice site. This variant is present in population databases (rs113133985, gnomAD 0.003%). This variant has not been reported in the literature in individuals affected with PLEC-related conditions. ClinVar contains an entry for this variant (Variation ID: 391172). Algorithms developed to predict the effect of sequence changes on RNA splicing suggest that this variant is not likely to affect RNA splicing. In summary, the available evidence is currently insufficient to determine the role of this variant in disease. Therefore, it has been classified as a Variant of Uncertain Significance.

GeneDx
Classification: Likely benign. Last evaluated: 2021-05-26. Review status: criteria provided, single submitter. Criteria: GeneDx Variant Classification Process June 2021. Collection method: clinical testing. Allele origin: germline. Affected: yes.

Eurofins Ntd Llc (ga)
Classification: Uncertain significance. Last evaluated: 2017-04-19. Review status: criteria provided, single submitter. Criteria: EGL Classification Definitions 2015. Collection method: clinical testing. Allele origin: germline. Observed: 2 variant alleles, 2 heterozygotes.